The following is an entry in ClinVar:

NM_015690.5(STK36):c.985G>A (p.Asp329Asn)

Gene: STK36 (serine/threonine kinase 36; plus strand). Cytogenetic location: 2q35.
Variant type: single nucleotide variant.
Coding change: c.985G>A on transcript NM_015690.5 (MANE Select); coding-DNA position 985, G replaced by A.
Protein change: p.Asp329Asn; replaces aspartic acid 329 with asparagine.
Molecular consequence: missense variant.
Genome position (GRCh38, 1-based): chr2:218,679,929, G>A. VCF-style: chr2-218679929-G-A. GRCh37 (hg19) VCF-style: chr2-219544652-G-A.
Other names: c.985G>A, p.Asp329Asn (NM_001243313.2, NM_001369423.1); short protein forms D329N.
Identifiers: ClinVar variation 791889 (VCV000791889.6), dbSNP rs34027859, ClinGen allele CA2110667.

ClinVar aggregate classification (germline): Benign. Review status: criteria provided, multiple submitters, no conflicts (2 of 4 stars). 3 submissions from 3 submitters: Benign (2). 1 of the submissions does not count toward it. Last evaluated 2018-07-13.

Conditions:
STK36-related disorder. Also called: STK36-related condition.

Allele frequency attached by ClinVar (database versions not stated): gnomAD exomes 0.00108 and 0.00314; ExAC 0.00375; gnomAD 0.01195 and 0.01292; ESP Exome Variant Server 0.01276; 1000 Genomes Project 0.01278; TOPMed 0.01380; 1000 Genomes Project 30x 0.01390.
gnomAD v4.1: 3,481 of 1,614,134 alleles (0.22%); highest among the groups gnomAD compares: African/African-American, 4%; 65 homozygotes.

Submissions (3):

Labcorp Genetics (formerly Invitae), Labcorp
Classification: Benign. Last evaluated: 2018-07-13. Review status: criteria provided, single submitter. Criteria: Invitae Variant Classification Sherloc (09022015). Collection method: clinical testing. Allele origin: germline.

Breakthrough Genomics
Classification: Benign. Review status: criteria provided, single submitter. Criteria: ACMG Guidelines, 2015. Collection method: not provided. Allele origin: germline. Inheritance: Autosomal recessive inheritance. Affected: yes.

PreventionGenetics, part of Exact Sciences
Classification: Benign for STK36-related condition. Last evaluated: 2019-02-18. Review status: no assertion criteria provided. Collection method: clinical testing. Allele origin: germline. Not counted in ClinVar's aggregate classification.
Comment: This variant is classified as benign based on ACMG/AMP sequence variant interpretation guidelines (Richards et al. 2015 PMID: 25741868, with internal and published modifications).